The following is an entry in ClinVar:

ClinVar aggregate classification (germline): Uncertain significance (1 of 4 stars; one submission).

Submission:

GeneDx
Classification: Uncertain significance. Last evaluated: 2024-06-06. Review status: criteria provided, single submitter. Criteria: GeneDx Variant Classification Process June 2021. Collection method: clinical testing. Allele origin: germline. Affected: yes.
Comment: Not observed at significant frequency in large population cohorts (gnomAD); In silico analysis supports that this missense variant has a deleterious effect on protein structure/function; Has not been previously published as pathogenic or benign to our knowledge

NM_017934.7(PHIP):c.2891T>C (p.Val964Ala)

Genes: IRAK1BP1 (interleukin 1 receptor associated kinase 1 binding protein 1; plus strand), PHIP (pleckstrin homology domain interacting protein; minus strand). Cytogenetic location: 6q14.1.
Variant type: single nucleotide variant.
Coding change: c.2891T>C on transcript NM_017934.7 (MANE Select); coding-DNA position 2891, T replaced by C.
Protein change: p.Val964Ala; replaces valine 964 with alanine.
Molecular consequence: missense variant.
Genome position (GRCh38, 1-based): chr6:78,970,887, A>G on the plus strand (T>C on the coding strand, the complement: PHIP is on the minus strand). VCF-style: chr6-78970887-A-G. GRCh37 (hg19) VCF-style: chr6-79680604-A-G.
Other names: short protein forms V964A.
Identifiers: ClinVar variation 3384644 (VCV003384644.1).